The following is an entry in ClinVar:

NM_138383.3(MTSS2):c.1647G>A (p.Thr549=)

Gene: MTSS2 (MTSS I-BAR domain containing 2; minus strand). Cytogenetic location: 16q22.1.
Variant type: single nucleotide variant.
Coding change: c.1647G>A on transcript NM_138383.3 (MANE Select); coding-DNA position 1647, G replaced by A.
Protein change: p.Thr549=; no amino-acid change (threonine 549 retained).
Molecular consequence: synonymous variant.
Genome position (GRCh38, 1-based): chr16:70,664,274, C>T on the plus strand (G>A on the coding strand, the complement: MTSS2 is on the minus strand). VCF-style: chr16-70664274-C-T. GRCh37 (hg19) VCF-style: chr16-70698177-C-T.
Identifiers: ClinVar variation 3777820 (VCV003777820.7).

ClinVar aggregate classification (germline): Benign (1 of 4 stars; one submission).

gnomAD v4.1: 19,040 of 1,557,386 alleles (1.2%); highest among the groups gnomAD compares: Non-Finnish European, 1.5%; 165 homozygotes.

Submission:

CeGaT Center for Human Genetics Tuebingen
Classification: Benign. Last evaluated: 2026-07-01. Review status: criteria provided, single submitter. Criteria: CeGaT Center For Human Genetics Tuebingen Variant Classification Criteria Version 2. Collection method: clinical testing. Allele origin: germline. Affected: yes. Observed: 8 variant alleles.
Comment: MTSS2: BP4, BP7, BS1, BS2